The following is an entry in ClinVar:

ClinVar aggregate classification (germline): Benign. Review status: criteria provided, multiple submitters, no conflicts (2 of 4 stars). 4 submissions from 4 submitters: Benign (4). Last evaluated 2023-04-11.

Conditions:
Dihydropyrimidine dehydrogenase deficiency (DPYDD). Also called: Hereditary Thymine-Uraciluria; DPD DEFICIENCY; DPYD DEFICIENCY. Identifiers: Orphanet 1675, MedGen C1959620, MONDO:0010130, OMIM 274270.

Allele frequency attached by ClinVar (database versions not stated): 1000 Genomes Project 30x 0.11009; TOPMed 0.13691; gnomAD 0.14325 and 0.14536; gnomAD exomes 0.14426; 1000 Genomes Project 0.10683.
gnomAD v4.1: 62,144 of 432,722 alleles (14%); highest among the groups gnomAD compares: Non-Finnish European, 17%; 4,966 homozygotes.

Submissions (4):

Genome-Nilou Lab
Classification: Benign for Dihydropyrimidine dehydrogenase deficiency. Last evaluated: 2023-04-11. Review status: criteria provided, single submitter. Criteria: ACMG Guidelines, 2015. Collection method: clinical testing. Allele origin: germline. Affected: no.

GeneDx
Classification: Benign. Last evaluated: 2018-07-09. Review status: criteria provided, single submitter. Criteria: GeneDx Variant Classification Process June 2021. Collection method: clinical testing. Allele origin: germline. Affected: yes.

Illumina Laboratory Services, Illumina
Classification: Benign for Dihydropyrimidine dehydrogenase deficiency. Last evaluated: 2018-01-12. Review status: criteria provided, single submitter. Criteria: ICSL Variant Classification Criteria 13 December 2019. Collection method: clinical testing. Allele origin: germline.
Comment: This variant was observed in the ICSL laboratory as part of a predisposition screen in an ostensibly healthy population. It had not been previously curated by ICSL or reported in the Human Gene Mutation Database (HGMD: prior to June 1st, 2018), and was therefore a candidate for classification through an automated scoring system. Utilizing variant allele frequency, disease prevalence and penetrance estimates, and inheritance mode, an automated score was calculated to assess if this variant is too frequent to cause the disease. Based on the score and internal cut-off values, a variant classified as benign is not then subjected to further curation. The score for this variant resulted in a classification of benign for this disease.

Breakthrough Genomics
Classification: Benign. Review status: criteria provided, single submitter. Criteria: ACMG Guidelines, 2015. Collection method: not provided. Allele origin: germline. Inheritance: Autosomal recessive inheritance. Affected: yes.

NM_000110.4(DPYD):c.*274T>C

Gene: DPYD (dihydropyrimidine dehydrogenase; minus strand). Cytogenetic location: 1p21.3.
Variant type: single nucleotide variant.
Coding change: c.*274T>C on transcript NM_000110.4 (MANE Select); 274 bases downstream of the stop codon, T replaced by C.
Molecular consequence: 3 prime UTR variant.
Genome position (GRCh38, 1-based): chr1:97,078,702, A>G on the plus strand (T>C on the coding strand, the complement: DPYD is on the minus strand). VCF-style: chr1-97078702-A-G. GRCh37 (hg19) VCF-style: chr1-97544258-A-G.
Identifiers: ClinVar variation 298277 (VCV000298277.9), dbSNP rs56160474, ClinGen allele CA10611739.